The following is an entry in ClinVar:

ClinVar aggregate classification (germline): Uncertain significance (1 of 4 stars; one submission).

Conditions:
Renal cell carcinoma. Identifiers: Orphanet 217071, MedGen C0007134, MeSH D002292, MONDO:0005086, HP:0005584.

Submission:

Labcorp Genetics (formerly Invitae), Labcorp
Classification: Uncertain significance for Renal cell carcinoma. Last evaluated: 2024-10-13. Review status: criteria provided, single submitter. Criteria: Invitae Variant Classification Sherloc (09022015). Collection method: clinical testing. Allele origin: germline.
Comment: This sequence change replaces glutamine, which is neutral and polar, with histidine, which is basic and polar, at codon 42 of the MET protein (p.Gln42His). This variant is not present in population databases (gnomAD no frequency). This variant has not been reported in the literature in individuals affected with MET-related conditions. Invitae Evidence Modeling of protein sequence and biophysical properties (such as structural, functional, and spatial information, amino acid conservation, physicochemical variation, residue mobility, and thermodynamic stability) indicates that this missense variant is not expected to disrupt MET protein function with a negative predictive value of 80%. In summary, the available evidence is currently insufficient to determine the role of this variant in disease. Therefore, it has been classified as a Variant of Uncertain Significance.

NM_000245.4(MET):c.126G>T (p.Gln42His)

Gene: MET (MET proto-oncogene, receptor tyrosine kinase; plus strand). Cytogenetic location: 7q31.2.
Variant type: single nucleotide variant.
Coding change: c.126G>T on transcript NM_000245.4 (MANE Select); coding-DNA position 126, G replaced by T.
Protein change: p.Gln42His; replaces glutamine 42 with histidine.
Molecular consequence: missense variant. On other transcripts: intron variant (1).
Genome position (GRCh38, 1-based): chr7:116,699,210, G>T. VCF-style: chr7-116699210-G-T. GRCh37 (hg19) VCF-style: chr7-116339264-G-T.
Other names: c.126G>T, p.Gln42His (NM_001127500.3, NM_001324401.3); c.-91+26633G>T (NM_001324402.2); short protein forms Q42H.
Identifiers: ClinVar variation 3666289 (VCV003666289.2).